The following is an entry in ClinVar:

NM_018124.4(RFWD3):c.992A>G (p.Asn331Ser)

Gene: RFWD3 (ring finger and WD repeat domain 3; minus strand). Cytogenetic location: 16q23.1.
Variant type: single nucleotide variant.
Coding change: c.992A>G on transcript NM_018124.4 (MANE Select); coding-DNA position 992, A replaced by G.
Protein change: p.Asn331Ser; replaces asparagine 331 with serine.
Molecular consequence: missense variant.
Genome position (GRCh38, 1-based): chr16:74,644,449, T>C on the plus strand (A>G on the coding strand, the complement: RFWD3 is on the minus strand). VCF-style: chr16-74644449-T-C. GRCh37 (hg19) VCF-style: chr16-74678347-T-C.
Other names: c.992A>G, p.Asn331Ser (NM_001370534.1, NM_001370535.1, NM_001370536.1); c.158A>G, p.Asn53Ser (NM_001370537.1, NM_001370539.1, NM_001370540.1 and 2 more transcripts); short protein forms N53S, N331S.
Identifiers: ClinVar variation 3677171 (VCV003677171.2).

ClinVar aggregate classification (germline): Uncertain significance (1 of 4 stars; one submission).

gnomAD v4.1: 7 of 1,614,244 alleles (0.00043%); highest among the groups gnomAD compares: South Asian, 0.0011%; no homozygotes.

Submission:

Labcorp Genetics (formerly Invitae), Labcorp
Classification: Uncertain significance. Last evaluated: 2024-08-09. Review status: criteria provided, single submitter. Criteria: Invitae Variant Classification Sherloc (09022015). Collection method: clinical testing. Allele origin: germline.
Comment: This sequence change replaces asparagine, which is neutral and polar, with serine, which is neutral and polar, at codon 331 of the RFWD3 protein (p.Asn331Ser). This variant is present in population databases (no rsID available, gnomAD no frequency). This variant has not been reported in the literature in individuals affected with RFWD3-related conditions. An algorithm developed to predict the effect of missense changes on protein structure and function (PolyPhen-2) suggests that this variant is likely to be disruptive. Algorithms developed to predict the effect of sequence changes on RNA splicing suggest that this variant may create or strengthen a splice site. In summary, the available evidence is currently insufficient to determine the role of this variant in disease. Therefore, it has been classified as a Variant of Uncertain Significance.